The following is an entry in ClinVar:

NM_130384.3(ATRIP):c.1282G>C (p.Gly428Arg)

Genes: ATRIP (ATR interacting protein; plus strand), ATRIP-TREX1 (ATRIP-TREX1 readthrough; plus strand). Cytogenetic location: 3p21.31.
Variant type: single nucleotide variant.
Coding change: c.1282G>C on transcript NM_130384.3 (MANE Select); coding-DNA position 1282, G replaced by C.
Protein change: p.Gly428Arg; replaces glycine 428 with arginine.
Molecular consequence: missense variant. On other transcripts: non-coding transcript variant (1).
Genome position (GRCh38, 1-based): chr3:48,460,336, G>C. VCF-style: chr3-48460336-G-C. GRCh37 (hg19) VCF-style: chr3-48501735-G-C.
Other names: c.901G>C, p.Gly301Arg (NM_001271022.2); c.1003G>C, p.Gly335Arg (NM_001271023.2); c.1282G>C, p.Gly428Arg (NM_032166.4); short protein forms G301R, G335R, G428R.
Identifiers: ClinVar variation 4644517 (VCV004644517.1).

ClinVar aggregate classification (germline): Uncertain significance (1 of 4 stars; one submission).

gnomAD v4.1: 1 of 1,613,340 alleles (0.000062%); highest among the groups gnomAD compares: Non-Finnish European, 0.000085%; no homozygotes.

Submission:

Ambry Genetics
Classification: Uncertain significance. Last evaluated: 2025-09-27. Review status: criteria provided, single submitter. Criteria: Ambry Variant Classification Scheme 2023. Collection method: clinical testing. Allele origin: germline.
Comment: The p.G428R variant (also known as c.1282G>C), located in coding exon 8 of the ATRIP gene, results from a G to C substitution at nucleotide position 1282. The glycine at codon 428 is replaced by arginine, an amino acid with dissimilar properties. This amino acid position is conserved. In addition, the in silico prediction for this alteration is inconclusive. Based on the available evidence, the clinical significance of this variant remains unclear.